The following is an entry in ClinVar:

ClinVar aggregate classification (germline): Likely benign. Review status: criteria provided, multiple submitters, no conflicts (2 of 4 stars). 3 submissions from 3 submitters: Likely benign (3). Last evaluated 2025-05-14.

Conditions:
3-hydroxyisobutyryl-CoA hydrolase deficiency. Also called: VALINE METABOLIC DEFECT; Reduced circulating 3-hydroxyisobutyryl-CoA hydrolase activity; Deficiency of 3-hydroxyisobutyryl CoA hydrolase; HIBCH DEFICIENCY; METHACRYLIC ACID TOXICITY; METHACRYLIC ACIDURIA. Identifiers: Orphanet 88639, MedGen C0342738, MONDO:0009603, OMIM 250620, HP:6000215.

Allele frequency attached by ClinVar (database versions not stated): gnomAD exomes 0.00002 and 0.00003; gnomAD 0.00008 and 0.00011; TOPMed 0.00014.
gnomAD v4.1: 49 of 1,516,486 alleles (0.0032%); highest among the groups gnomAD compares: Admixed American, 0.022%; no homozygotes.

Submissions (3):

Labcorp Genetics (formerly Invitae), Labcorp
Classification: Likely benign for 3-hydroxyisobutyryl-CoA hydrolase deficiency. Last evaluated: 2025-05-14. Review status: criteria provided, single submitter. Criteria: Invitae Variant Classification Sherloc (09022015). Collection method: clinical testing. Allele origin: germline.

Blueprint Genetics
Classification: Likely benign. Last evaluated: 2023-05-11. Review status: criteria provided, single submitter. Criteria: ACMG Guidelines, 2015. Collection method: clinical testing. Allele origin: germline.

GeneDx
Classification: Likely benign. Last evaluated: 2017-08-31. Review status: criteria provided, single submitter. Criteria: GeneDx Variant Classification (06012015). Collection method: clinical testing. Allele origin: germline. Affected: yes.
Comment: This variant is considered likely benign or benign based on one or more of the following criteria: it is a conservative change, it occurs at a poorly conserved position in the protein, it is predicted to be benign by multiple in silico algorithms, and/or has population frequency not consistent with disease.

NM_014362.4(HIBCH):c.438+19C>G

Gene: HIBCH (3-hydroxyisobutyryl-CoA hydrolase; minus strand). Cytogenetic location: 2q32.2.
Variant type: single nucleotide variant.
Coding change: c.438+19C>G on transcript NM_014362.4 (MANE Select); 19 bases into the intron after coding-DNA position 438, C replaced by G.
Molecular consequence: intron variant.
Genome position (GRCh38, 1-based): chr2:190,287,567, G>C on the plus strand (C>G on the coding strand, the complement: HIBCH is on the minus strand). VCF-style: chr2-190287567-G-C. GRCh37 (hg19) VCF-style: chr2-191152293-G-C.
Other names: c.438+19C>G (NM_198047.3).
Identifiers: ClinVar variation 511483 (VCV000511483.6), dbSNP rs919531257, ClinGen allele CA62653623.